The following is an entry in ClinVar:

NM_001134407.3(GRIN2A):c.1546G>A (p.Glu516Lys)

Gene: GRIN2A (glutamate ionotropic receptor NMDA type subunit 2A; minus strand). Cytogenetic location: 16p13.2.
Variant type: single nucleotide variant.
Coding change: c.1546G>A on transcript NM_001134407.3 (MANE Select); coding-DNA position 1546, G replaced by A.
Protein change: p.Glu516Lys; replaces glutamic acid 516 with lysine.
Molecular consequence: missense variant.
Genome position (GRCh38, 1-based): chr16:9,840,752, C>T on the plus strand (G>A on the coding strand, the complement: GRIN2A is on the minus strand). VCF-style: chr16-9840752-C-T. GRCh37 (hg19) VCF-style: chr16-9934609-C-T.
Other names: c.1546G>A, p.Glu516Lys (NM_000833.5, NM_001134408.2); short protein forms E516K.
Identifiers: ClinVar variation 2574799 (VCV002574799.1), dbSNP rs1555494687, ClinGen allele CA394800401.

ClinVar aggregate classification (germline): Uncertain significance (1 of 4 stars; one submission).

Submission:

GeneDx
Classification: Uncertain significance. Last evaluated: 2023-02-01. Review status: criteria provided, single submitter. Criteria: GeneDx Variant Classification Process June 2021. Collection method: clinical testing. Allele origin: germline. Affected: yes.
Comment: Not observed at significant frequency in large population cohorts (gnomAD); In silico analysis supports that this missense variant has a deleterious effect on protein structure/function; Has not been previously published as pathogenic or benign to our knowledge; This variant is associated with the following publications: (PMID: 27839871)